The following is an entry in ClinVar:

NM_000466.3(PEX1):c.3710C>A (p.Ala1237Glu)

Genes: PEX1 (peroxisomal biogenesis factor 1; minus strand), GATAD1 (GATA zinc finger domain containing 1; plus strand). Cytogenetic location: 7q21.2.
Variant type: single nucleotide variant.
Coding change: c.3710C>A on transcript NM_000466.3 (MANE Select); coding-DNA position 3710, C replaced by A.
Protein change: p.Ala1237Glu; replaces alanine 1237 with glutamic acid.
Molecular consequence: missense variant.
Genome position (GRCh38, 1-based): chr7:92,489,350, G>T on the plus strand (C>A on the coding strand, the complement: PEX1 is on the minus strand). VCF-style: chr7-92489350-G-T. GRCh37 (hg19) VCF-style: chr7-92118664-G-T.
Other names: c.3539C>A, p.Ala1180Glu (NM_001282677.2); c.3086C>A, p.Ala1029Glu (NM_001282678.2); short protein forms A1237E, A1180E, A1029E.
Identifiers: ClinVar variation 528227 (VCV000528227.11), dbSNP rs1473858573, ClinGen allele CA368159552.

ClinVar aggregate classification (germline): Conflicting classifications of pathogenicity. Review status: criteria provided, conflicting classifications (1 of 4 stars). 2 submissions from 2 submitters: Likely pathogenic (1); Uncertain significance (1). Last evaluated 2026-01-19.

Conditions:
Zellweger spectrum disorders (ZS). Also called: Zellweger Spectrum Disorder; Zellweger Spectrum; Zellweger syndrome; Zellweger Spectrum Disorder (ZSD). Identifiers: Orphanet 912, MedGen C0043459, MONDO:0019609.

gnomAD v4.1: 1 of 1,612,096 alleles (0.000062%); highest among the groups gnomAD compares: Non-Finnish European, 0.000085%; no homozygotes.

Submissions (2):

Women's Health and Genetics/Laboratory Corporation of America, LabCorp
Classification: Uncertain significance. Last evaluated: 2026-01-19. Review status: criteria provided, single submitter. Criteria: LabCorp Variant Classification Summary - May 2015. Collection method: clinical testing. Allele origin: germline.
Comment: Variant summary: PEX1 c.3710C>A (p.Ala1237Glu) results in a non-conservative amino acid change in the encoded protein sequence. Algorithms developed to predict the effect of missense changes on protein structure and function all suggest that this variant is likely to be disruptive. The variant was absent in 250968 control chromosomes (gnomAD). c.3710C>A has been observed in individuals affected with Zellweger Syndrome (Yik_2009, internal data). These data indicate that the variant may be associated with disease. To our knowledge, no experimental evidence demonstrating an impact on protein function has been reported. The following publication has been ascertained in the context of this evaluation (PMID: 19105186). ClinVar contains an entry for this variant (Variation ID: 528227). Based on the evidence outlined above, the variant was classified as VUS-possibly pathogenic.

Labcorp Genetics (formerly Invitae), Labcorp
Classification: Likely pathogenic for Zellweger spectrum disorders. Last evaluated: 2023-08-21. Review status: criteria provided, single submitter. Criteria: Invitae Variant Classification Sherloc (09022015). Collection method: clinical testing. Allele origin: germline.
Comment: This sequence change replaces alanine, which is neutral and non-polar, with glutamic acid, which is acidic and polar, at codon 1237 of the PEX1 protein (p.Ala1237Glu). This variant is present in population databases (no rsID available, gnomAD 0.0009%). This missense change has been observed in individual(s) with Zellweger syndrome spectrum disorders (PMID: 19105186; Invitae). In at least one individual the data is consistent with being in trans (on the opposite chromosome) from a pathogenic variant. ClinVar contains an entry for this variant (Variation ID: 528227). Advanced modeling of protein sequence and biophysical properties (such as structural, functional, and spatial information, amino acid conservation, physicochemical variation, residue mobility, and thermodynamic stability) performed at Invitae indicates that this missense variant is expected to disrupt PEX1 protein function. In summary, the currently available evidence indicates that the variant is pathogenic, but additional data are needed to prove that conclusively. Therefore, this variant has been classified as Likely Pathogenic.

Literature cited by the submitters: PubMed 19105186 (cited by Women's Health and Genetics/Laboratory Corporation of America, LabCorp and Labcorp Genetics (formerly Invitae), Labcorp).